The following is an entry in ClinVar:

ClinVar aggregate classification (germline): Uncertain significance (1 of 4 stars; one submission).

Allele frequency attached by ClinVar (database versions not stated): gnomAD exomes 0.00001; TOPMed 0.00002; gnomAD 0.00001.
gnomAD v4.1: 12 of 1,614,130 alleles (0.00074%); highest among the groups gnomAD compares: African/African-American, 0.0013%; no homozygotes.

Submission:

Labcorp Genetics (formerly Invitae), Labcorp
Classification: Uncertain significance. Last evaluated: 2024-01-29. Review status: criteria provided, single submitter. Criteria: Invitae Variant Classification Sherloc (09022015). Collection method: clinical testing. Allele origin: germline.
Comment: This sequence change replaces serine, which is neutral and polar, with glycine, which is neutral and non-polar, at codon 128 of the NDUFA10 protein (p.Ser128Gly). This variant is not present in population databases (gnomAD no frequency). This variant has not been reported in the literature in individuals affected with NDUFA10-related conditions. ClinVar contains an entry for this variant (Variation ID: 1491999). Advanced modeling of protein sequence and biophysical properties (such as structural, functional, and spatial information, amino acid conservation, physicochemical variation, residue mobility, and thermodynamic stability) performed at Invitae indicates that this missense variant is expected to disrupt NDUFA10 protein function with a positive predictive value of 80%. In summary, the available evidence is currently insufficient to determine the role of this variant in disease. Therefore, it has been classified as a Variant of Uncertain Significance.

NM_004544.4(NDUFA10):c.382A>G (p.Ser128Gly)

Gene: NDUFA10 (NADH:ubiquinone oxidoreductase subunit A10; minus strand). Cytogenetic location: 2q37.3.
Variant type: single nucleotide variant.
Coding change: c.382A>G on transcript NM_004544.4 (MANE Select); coding-DNA position 382, A replaced by G.
Protein change: p.Ser128Gly; replaces serine 128 with glycine.
Molecular consequence: missense variant. On other transcripts: non-coding transcript variant (4).
Genome position (GRCh38, 1-based): chr2:240,021,275, T>C on the plus strand (A>G on the coding strand, the complement: NDUFA10 is on the minus strand). VCF-style: chr2-240021275-T-C. GRCh37 (hg19) VCF-style: chr2-240960692-T-C.
Other names: c.382A>G, p.Ser128Gly (NM_001322019.2, NM_001322020.2); short protein forms S128G.
Identifiers: ClinVar variation 1491999 (VCV001491999.8), dbSNP rs1351040452, ClinGen allele CA351273980.